The following is an entry in ClinVar:

NM_006306.4(SMC1A):c.1862A>G (p.Asn621Ser)

Gene: SMC1A (structural maintenance of chromosomes 1A; minus strand). Cytogenetic location: Xp11.22.
Variant type: single nucleotide variant.
Coding change: c.1862A>G on transcript NM_006306.4 (MANE Select); coding-DNA position 1862, A replaced by G.
Protein change: p.Asn621Ser; replaces asparagine 621 with serine.
Molecular consequence: missense variant.
Genome position (GRCh38, 1-based): chrX:53,405,542, T>C on the plus strand (A>G on the coding strand, the complement: SMC1A is on the minus strand). VCF-style: chrX-53405542-T-C. GRCh37 (hg19) VCF-style: chrX-53432474-T-C.
Other names: c.1796A>G, p.Asn599Ser (NM_001281463.1); short protein forms N599S, N621S.
Identifiers: ClinVar variation 1313912 (VCV001313912.2), dbSNP rs2146599756, ClinGen allele CA413252852.
Genomic context (GRCh38, chrX:53,405,542, plus strand): 5'-GGAATCCACACCTTGTGGCGCTGGTGGCCTCCAAAGGCAATGCGGCGGGCATCTTCCACG[T>C]TGTCACAGACAAGGGCATTGCCACAAGCATACTGCAGGGCCTTTTTGATATGAGGTGGCT-3'
Protein context (NP_006297.2, residues 611-631): YACGNALVCD[Asn621Ser]VEDARRIAFG

ClinVar aggregate classification (germline): Uncertain significance (1 of 4 stars; one submission).

Allele frequency attached by ClinVar (database versions not stated): gnomAD exomes below 0.00001.
gnomAD v4.1: 1 of 1,212,154 alleles (0.000082%); highest among the groups gnomAD compares: Non-Finnish European, 0.00011%; no homozygotes.

Submission:

GeneDx
Classification: Uncertain significance. Last evaluated: 2021-01-12. Review status: criteria provided, single submitter. Criteria: GeneDx Variant Classification Process June 2021. Collection method: clinical testing. Allele origin: germline. Affected: yes.
Comment: Not observed in large population cohorts (Lek et al., 2016); Missense variants in this gene are often considered pathogenic (Stenson et al., 2014); In silico analysis supports that this missense variant does not alter protein structure/function; In silico analysis, which includes splice predictors and evolutionary conservation, suggests this variant may impact gene splicing. In the absence of RNA/functional studies, the actual effect of this sequence change is unknown.; Has not been previously published as pathogenic or benign to our knowledge